The following is an entry in ClinVar:

ClinVar aggregate classification (germline): Likely pathogenic. Review status: criteria provided, single submitter (1 of 4 stars). 2 submissions from 2 submitters: Likely pathogenic (1). 1 of the submissions does not count toward it. Last evaluated 2025-11-19.

Conditions:
Optic atrophy. Identifiers: MedGen C0029124, MONDO:0003608, HP:0000648.

Submissions (2):

Labcorp Genetics (formerly Invitae), Labcorp
Classification: Likely pathogenic. Last evaluated: 2025-11-19. Review status: criteria provided, single submitter. Criteria: Invitae Variant Classification Sherloc (09022015). Collection method: clinical testing. Allele origin: germline.
Comment: This sequence change affects codon 380 of the OPA1 mRNA. It is a 'silent' change, meaning that it does not change the encoded amino acid sequence of the OPA1 protein. This variant also falls at the last nucleotide of exon 11, which is part of the consensus splice site for this exon. This variant is not present in population databases (gnomAD no frequency). This variant has been observed in individuals with autosomal dominant optic atrophy (PMID: 16323009, 27858935). It has also been observed to segregate with disease in related individuals. ClinVar contains an entry for this variant (Variation ID: 2203478). Variants that disrupt the consensus splice site are a relatively common cause of aberrant splicing (PMID: 17576681, 9536098). Algorithms developed to predict the effect of sequence changes on RNA splicing suggest that this variant may disrupt the consensus splice site. In summary, the currently available evidence indicates that the variant is pathogenic, but additional data are needed to prove that conclusively. Therefore, this variant has been classified as Likely Pathogenic.

Institute of Human Genetics, Univ. Regensburg, Univ. Regensburg
Classification: Likely pathogenic for Optic atrophy. Last evaluated: 2023-01-01. Review status: no assertion criteria provided. Criteria: ACMG Guidelines, 2015. Collection method: clinical testing. Allele origin: germline. Affected: yes. Not counted in ClinVar's aggregate classification.

Literature cited by the submitters: PubMed 16323009 (cited by Labcorp Genetics (formerly Invitae), Labcorp); PubMed 27858935 (cited by Labcorp Genetics (formerly Invitae), Labcorp); PubMed 17576681 (cited by Labcorp Genetics (formerly Invitae), Labcorp); PubMed 9536098 (cited by Labcorp Genetics (formerly Invitae), Labcorp).

NM_130837.3(OPA1):c.1305G>A (p.Glu435=)

Gene: OPA1 (OPA1 mitochondrial dynamin like GTPase; plus strand). Cytogenetic location: 3q29.
Variant type: single nucleotide variant.
Coding change: c.1305G>A on transcript NM_130837.3 (MANE Select); coding-DNA position 1305, G replaced by A.
Protein change: p.Glu435=; no amino-acid change (glutamic acid 435 retained).
Molecular consequence: synonymous variant.
Genome position (GRCh38, 1-based): chr3:193,643,049, G>A. VCF-style: chr3-193643049-G-A. GRCh37 (hg19) VCF-style: chr3-193360838-G-A.
Other names: c.771G>A, p.Glu257= (NM_001354663.2); c.768G>A, p.Glu256= (NM_001354664.2); c.1140G>A, p.Glu380= (NM_015560.3); c.1032G>A, p.Glu344= (NM_130831.3); c.1086G>A, p.Glu362= (NM_130832.3); c.1143G>A, p.Glu381= (NM_130833.3); c.1194G>A, p.Glu398= (NM_130834.3); c.1197G>A, p.Glu399= (NM_130835.3); and 1 more.
Identifiers: ClinVar variation 2203478 (VCV002203478.5), dbSNP rs2474865823, ClinGen allele CA437435958.